The following is an entry in ClinVar:

ClinVar aggregate classification (germline): Pathogenic. Review status: criteria provided, multiple submitters, no conflicts (2 of 4 stars). 5 submissions from 5 submitters: Pathogenic (5). Last evaluated 2024-05-12.

Conditions:
Pontocerebellar hypoplasia type 1B. Also called: EXOSC3 Pontocerebellar Hypoplasia. Identifiers: Orphanet 2254, MedGen C3553449, MONDO:0013853, OMIM 614678.
Pontoneocerebellar hypoplasia. Also called: Pontocerebellar hypoplasia; Non-syndromic pontocerebellar hypoplasia. Identifiers: Orphanet 98523, MedGen C1261175, MONDO:0020135.

Submissions (5):

Fulgent Genetics
Classification: Pathogenic for Pontocerebellar hypoplasia type 1B. Last evaluated: 2024-05-12. Review status: criteria provided, single submitter. Criteria: ACMG Guidelines, 2015. Collection method: clinical testing. Allele origin: germline.

Labcorp Genetics (formerly Invitae), Labcorp
Classification: Pathogenic for Pontocerebellar hypoplasia type 1B. Last evaluated: 2024-03-01. Review status: criteria provided, single submitter. Criteria: Invitae Variant Classification Sherloc (09022015). Collection method: clinical testing. Allele origin: germline.
Comment: This sequence change creates a premature translational stop signal (p.Pro52Argfs*2) in the EXOSC3 gene. It is expected to result in an absent or disrupted protein product. Loss-of-function variants in EXOSC3 are known to be pathogenic (PMID: 22544365, 23284067, 24524299). This variant is present in population databases (no rsID available, gnomAD 0.003%). This premature translational stop signal has been observed in individual(s) with pontocerebellar hypoplasia (PMID: 23284067). ClinVar contains an entry for this variant (Variation ID: 280004). For these reasons, this variant has been classified as Pathogenic.

Women's Health and Genetics/Laboratory Corporation of America, LabCorp
Classification: Pathogenic for Pontoneocerebellar hypoplasia. Last evaluated: 2022-12-13. Review status: criteria provided, single submitter. Criteria: LabCorp Variant Classification Summary - May 2015. Collection method: clinical testing. Allele origin: germline.
Comment: Variant summary: EXOSC3 c.155delC (p.Pro52ArgfsX2) results in a premature termination codon, predicted to cause a truncation of the encoded protein or absence of the protein due to nonsense mediated decay, which are commonly known mechanisms for disease. Truncations downstream of this position have been classified as pathogenic in ClinVar and are associated with Pontocerebellar hypoplasia 1 in HGMD. The variant allele was found at a frequency of 8.6e-06 in 231252 control chromosomes. c.155delC has been reported in the literature in multiple individuals affected with Pontocerebellar Hypoplasia, Type 1B and segregated with disease within families (e.g. Rudnik-Schoneborn_2013, Mu_2020, Spyridakis_2022). These data indicate that the variant is very likely to be associated with disease. Two ClinVar submitters (evaluation after 2014) have classified the variant as pathogenic. Based on the evidence outlined above, the variant was classified as pathogenic.

GeneDx
Classification: Pathogenic. Last evaluated: 2022-07-21. Review status: criteria provided, single submitter. Criteria: GeneDx Variant Classification Process June 2021. Collection method: clinical testing. Allele origin: germline. Affected: yes.
Comment: Frameshift variant predicted to result in protein truncation or nonsense mediated decay in a gene for which loss-of-function is a known mechanism of disease; Not observed at significant frequency in large population cohorts (gnomAD); This variant is associated with the following publications: (PMID: 24524299, 33462000, 23284067)

Genetic Services Laboratory, University of Chicago
Classification: Pathogenic for Pontocerebellar hypoplasia, type 1B. Last evaluated: 2017-01-11. Review status: criteria provided, single submitter. Criteria: ACMG Guidelines, 2015. Collection method: clinical testing. Allele origin: germline. Affected: yes.

Literature cited by the submitters: PubMed 22544365 (cited by Labcorp Genetics (formerly Invitae), Labcorp); PubMed 23284067 (cited by Labcorp Genetics (formerly Invitae), Labcorp and Women's Health and Genetics/Laboratory Corporation of America, LabCorp); PubMed 24524299 (cited by Labcorp Genetics (formerly Invitae), Labcorp); PubMed 33462000 (cited by Women's Health and Genetics/Laboratory Corporation of America, LabCorp); PubMed 36004024 (cited by Women's Health and Genetics/Laboratory Corporation of America, LabCorp).

NM_016042.4(EXOSC3):c.155del (p.Pro52fs)

Gene: EXOSC3 (exosome component 3; minus strand). Cytogenetic location: 9p13.2.
Variant type: Deletion.
Coding change: c.155del on transcript NM_016042.4 (MANE Select); coding-DNA position 155, one base deleted (C; older notation c.155delC).
Protein change: p.Pro52fs; shifts the reading frame from proline 52.
Molecular consequence: frameshift variant.
Genome position (GRCh38, 1-based): chr9:37,784,890, G deleted on the plus strand (C on the coding strand, the reverse complement: EXOSC3 is on the minus strand); the first of 2 consecutive G bases (chr9:37,784,890-37,784,891); deleting either gives the same sequence. VCF-style (leftmost placement, unchanged base first): chr9-37784889-CG-C. GRCh37 (hg19) VCF-style: chr9-37784886-CG-C.
Other names: c.155del, p.Pro52fs (NM_001002269.2); short protein forms P52fs.
Identifiers: ClinVar variation 280004 (VCV000280004.16), dbSNP rs886041316, ClinGen allele CA10603034.